The following is an entry in ClinVar:

ClinVar aggregate classification (germline): Uncertain significance (1 of 4 stars; one submission).

Conditions:
RYR1-related disorder. Also called: RYR1-related condition; RYR1-related disorders. Identifiers: MedGen CN239331.

Allele frequency attached by ClinVar (database versions not stated): gnomAD exomes below 0.00001.
gnomAD v4.1: 1 of 1,614,196 alleles (0.000062%); highest among the groups gnomAD compares: South Asian, 0.0011%; no homozygotes.

Submission:

Labcorp Genetics (formerly Invitae), Labcorp
Classification: Uncertain significance for RYR1-related disorder. Last evaluated: 2022-04-07. Review status: criteria provided, single submitter. Criteria: Invitae Variant Classification Sherloc (09022015). Collection method: clinical testing. Allele origin: germline.
Comment: This variant has not been reported in the literature in individuals affected with RYR1-related conditions. This variant is not present in population databases (gnomAD no frequency). Advanced modeling of protein sequence and biophysical properties (such as structural, functional, and spatial information, amino acid conservation, physicochemical variation, residue mobility, and thermodynamic stability) performed at Invitae indicates that this missense variant is expected to disrupt RYR1 protein function. In summary, the available evidence is currently insufficient to determine the role of this variant in disease. Therefore, it has been classified as a Variant of Uncertain Significance. This sequence change replaces leucine, which is neutral and non-polar, with arginine, which is basic and polar, at codon 1951 of the RYR1 protein (p.Leu1951Arg).

NM_000540.3(RYR1):c.5852T>G (p.Leu1951Arg)

Gene: RYR1 (ryanodine receptor 1; plus strand). Cytogenetic location: 19q13.2.
Variant type: single nucleotide variant.
Coding change: c.5852T>G on transcript NM_000540.3 (MANE Select); coding-DNA position 5852, T replaced by G.
Protein change: p.Leu1951Arg; replaces leucine 1951 with arginine.
Molecular consequence: missense variant.
Genome position (GRCh38, 1-based): chr19:38,490,113, T>G. VCF-style: chr19-38490113-T-G. GRCh37 (hg19) VCF-style: chr19-38980753-T-G.
Other names: c.5852T>G, p.Leu1951Arg (NM_001042723.2); short protein forms L1951R.
Identifiers: ClinVar variation 1494986 (VCV001494986.8), dbSNP rs2145561863, ClinGen allele CA405660348.